The following is an entry in ClinVar:

ClinVar aggregate classification (germline): Likely benign. Review status: criteria provided, multiple submitters, no conflicts (2 of 4 stars). 5 submissions from 5 submitters: Likely benign (3). 2 of the submissions do not count toward it. Last evaluated 2026-02-02.

Conditions:
RTEL1-related disorder. Also called: RTEL1-related condition; RTEL1-related disorders.
Inborn genetic diseases. Identifiers: MedGen C0950123, MeSH D030342.
Dyskeratosis congenita. Identifiers: Orphanet 1775, MedGen C0265965, MONDO:0015780.
Dyskeratosis congenita, autosomal recessive 5 (DKCB5). Identifiers: MedGen C3554656, MONDO:0014076, OMIM 615190.
Pulmonary fibrosis and/or bone marrow failure, Telomere-related, 3. Also called: PULMONARY FIBROSIS AND/OR BONE MARROW FAILURE SYNDROME, TELOMERE-RELATED, 3. Identifiers: Orphanet 2032, MedGen C4225346, MONDO:0014613, OMIM 616373.

Allele frequency attached by ClinVar (database versions not stated): gnomAD 0.00008; TOPMed 0.00011.
gnomAD v4.1: 145 of 1,612,316 alleles (0.009%); highest among the groups gnomAD compares: Middle Eastern, 0.066%; no homozygotes.

Submissions (5):

Labcorp Genetics (formerly Invitae), Labcorp
Classification: Likely benign for Dyskeratosis congenita, autosomal recessive 5; Pulmonary fibrosis and/or bone marrow failure, Telomere-related, 3. Last evaluated: 2026-02-02. Review status: criteria provided, single submitter. Criteria: Invitae Variant Classification Sherloc (09022015). Collection method: clinical testing. Allele origin: germline.

Ambry Genetics
Classification: Likely benign for Inborn genetic diseases. Last evaluated: 2024-12-02. Review status: criteria provided, single submitter. Criteria: Ambry Variant Classification Scheme 2023. Collection method: clinical testing. Allele origin: germline.

Blueprint Genetics
Classification: Likely benign. Last evaluated: 2024-09-25. Review status: criteria provided, single submitter. Criteria: ACMG Guidelines, 2015. Collection method: clinical testing. Allele origin: germline.

PreventionGenetics, part of Exact Sciences
Classification: Likely benign for RTEL1-related condition. Last evaluated: 2023-12-27. Review status: no assertion criteria provided. Collection method: clinical testing. Allele origin: germline. Not counted in ClinVar's aggregate classification.
Comment: This variant is classified as likely benign based on ACMG/AMP sequence variant interpretation guidelines (Richards et al. 2015 PMID: 25741868, with internal and published modifications).

Natera, Inc.
Classification: Uncertain significance for Dyskeratosis congenita. Last evaluated: 2020-01-24. Review status: no assertion criteria provided. Collection method: clinical testing. Allele origin: germline. Not counted in ClinVar's aggregate classification.

NM_001283009.2(RTEL1):c.1602C>T (p.Ser534=)

Genes: RTEL1 (regulator of telomere elongation helicase 1; plus strand), RTEL1-TNFRSF6B (RTEL1-TNFRSF6B readthrough (NMD candidate); plus strand). Cytogenetic location: 20q13.33.
Variant type: single nucleotide variant.
Coding change: c.1602C>T on transcript NM_001283009.2 (MANE Select); coding-DNA position 1602, C replaced by T.
Protein change: p.Ser534=; no amino-acid change (serine 534 retained).
Molecular consequence: synonymous variant. On other transcripts: non-coding transcript variant (1).
Genome position (GRCh38, 1-based): chr20:63,688,145, C>T. VCF-style: chr20-63688145-C-T. GRCh37 (hg19) VCF-style: chr20-62319498-C-T.
Other names: c.933C>T, p.Ser311= (NM_001283010.1); c.1602C>T, p.Ser534= (NM_016434.4); c.1674C>T, p.Ser558= (NM_032957.5).
Identifiers: ClinVar variation 729959 (VCV000729959.16), dbSNP rs745339095, ClinGen allele CA9964877.